The following is an entry in ClinVar:

NM_001376.5(DYNC1H1):c.13830C>T (p.Tyr4610=)

Gene: DYNC1H1 (dynein cytoplasmic 1 heavy chain 1; plus strand). Cytogenetic location: 14q32.31.
Variant type: single nucleotide variant.
Coding change: c.13830C>T on transcript NM_001376.5 (MANE Select); coding-DNA position 13830, C replaced by T.
Protein change: p.Tyr4610=; no amino-acid change (tyrosine 4610 retained).
Molecular consequence: synonymous variant.
Genome position (GRCh38, 1-based): chr14:102,050,452, C>T. VCF-style: chr14-102050452-C-T. GRCh37 (hg19) VCF-style: chr14-102516789-C-T.
Identifiers: ClinVar variation 3666177 (VCV003666177.2).

ClinVar aggregate classification (germline): Uncertain significance (1 of 4 stars; one submission).

Conditions:
Charcot-Marie-Tooth disease axonal type 2O. Also called: CHARCOT-MARIE-TOOTH NEUROPATHY, AXONAL, TYPE 2O; CHARCOT-MARIE-TOOTH DISEASE, AXONAL, AUTOSOMAL DOMINANT, TYPE 2O; Charcot-Marie-Tooth Neuropathy Type 2O; Charcot-Marie-Tooth disease, axonal, type 20. Identifiers: Orphanet 284232, MedGen C3280220, MONDO:0013644, OMIM 614228.

gnomAD v4.1: 7 of 1,614,204 alleles (0.00043%); highest among the groups gnomAD compares: Non-Finnish European, 0.00059%; no homozygotes.

Submission:

Labcorp Genetics (formerly Invitae), Labcorp
Classification: Uncertain significance for Charcot-Marie-Tooth disease axonal type 2O. Last evaluated: 2024-02-01. Review status: criteria provided, single submitter. Criteria: Invitae Variant Classification Sherloc (09022015). Collection method: clinical testing. Allele origin: germline.
Comment: This sequence change affects codon 4610 of the DYNC1H1 mRNA. It is a 'silent' change, meaning that it does not change the encoded amino acid sequence of the DYNC1H1 protein. This variant is present in population databases (rs762745752, gnomAD 0.0009%). This variant has not been reported in the literature in individuals affected with DYNC1H1-related conditions. Algorithms developed to predict the effect of sequence changes on RNA splicing suggest that this variant may create or strengthen a splice site. In summary, the available evidence is currently insufficient to determine the role of this variant in disease. Therefore, it has been classified as a Variant of Uncertain Significance.